The following is an entry in ClinVar:

ClinVar aggregate classification (germline): Likely benign (1 of 4 stars; one submission).

Conditions:
DCC-related disorder. Also called: DCC-related condition.

gnomAD v4.1: 108 of 1,613,640 alleles (0.0067%); highest among the groups gnomAD compares: Middle Eastern, 0.049%; 1 homozygote.

Submission:

PreventionGenetics, part of Exact Sciences
Classification: Likely benign for DCC-related condition. Last evaluated: 2025-08-07. Review status: criteria provided, single submitter. Criteria: ACMG Guidelines, 2015. Collection method: clinical testing. Allele origin: germline.
Comment: This variant is classified as likely benign based on ACMG/AMP sequence variant interpretation guidelines (Richards et al. 2015 PMID: 25741868, with internal and published modifications).

NM_005215.4(DCC):c.2757G>A (p.Ser919=)

Gene: DCC (DCC netrin 1 receptor; plus strand). Cytogenetic location: 18q21.2.
Variant type: single nucleotide variant.
Coding change: c.2757G>A on transcript NM_005215.4 (MANE Select); coding-DNA position 2757, G replaced by A.
Protein change: p.Ser919=; no amino-acid change (serine 919 retained).
Molecular consequence: synonymous variant.
Genome position (GRCh38, 1-based): chr18:53,397,376, G>A. VCF-style: chr18-53397376-G-A. GRCh37 (hg19) VCF-style: chr18-50923746-G-A.
Identifiers: ClinVar variation 4980215 (VCV004980215.1).